The following is an entry in ClinVar:

NM_001378328.1(CELSR1):c.6371C>T (p.Thr2124Met)

Gene: CELSR1 (cadherin EGF LAG seven-pass G-type receptor 1; minus strand). Cytogenetic location: 22q13.31.
Variant type: single nucleotide variant.
Coding change: c.6371C>T on transcript NM_001378328.1 (MANE Select); coding-DNA position 6371, C replaced by T.
Protein change: p.Thr2124Met; replaces threonine 2124 with methionine.
Molecular consequence: missense variant.
Genome position (GRCh38, 1-based): chr22:46,389,474, G>A on the plus strand (C>T on the coding strand, the complement: CELSR1 is on the minus strand). VCF-style: chr22-46389474-G-A. GRCh37 (hg19) VCF-style: chr22-46785371-G-A.
Other names: c.6371C>T, p.Thr2124Met (NM_014246.4); short protein forms T2124M.
Identifiers: ClinVar variation 3600446 (VCV003600446.1).

ClinVar aggregate classification (germline): Uncertain significance (1 of 4 stars; one submission).

Conditions:
Lymphatic malformation 9. Identifiers: MedGen C5543365, MONDO:0030270, OMIM 619319.

gnomAD v4.1: 50 of 1,613,310 alleles (0.0031%); highest among the groups gnomAD compares: African/African-American, 0.0067%; no homozygotes.

Submission:

Clinical Genomics Laboratory, Washington University in St. Louis
Classification: Uncertain significance for Lymphatic malformation 9. Last evaluated: 2024-08-04. Review status: criteria provided, single submitter. Criteria: ACMG Guidelines, 2015. Collection method: clinical testing. Allele origin: germline.
Comment: A CELSR1 c.6371C>T (p.Thr2124Met) variant was identified at a heterozygous allelic fraction of 49.7%, a frequency which may be consistent with germline origin. This variant, to our knowledge, has not been reported in a germline state in the medical literature. It is observed on 50/1,613,310 alleles in the general population (gnomAD v.4.1.0). Computational predictors are uncertain as to the impact of this variant on CELSR1 function. Due to limited information, and based on ACMG/AMP guidelines for variant interpretation (Richards S et al., PMID: 25741868), the clinical significance of this variant is uncertain at this time.